The following is an entry in ClinVar:

NM_001195553.2(DCX):c.613C>G (p.His205Asp)

Gene: DCX (doublecortin; minus strand). Cytogenetic location: Xq23.
Variant type: single nucleotide variant.
Coding change: c.613C>G on transcript NM_001195553.2 (MANE Select); coding-DNA position 613, C replaced by G.
Protein change: p.His205Asp; replaces histidine 205 with aspartic acid.
Molecular consequence: missense variant.
Genome position (GRCh38, 1-based): chrX:111,401,082, G>C on the plus strand (C>G on the coding strand, the complement: DCX is on the minus strand). VCF-style: chrX-111401082-G-C. GRCh37 (hg19) VCF-style: chrX-110644310-G-C.
Other names: c.856C>G, p.His286Asp (NM_000555.3); c.613C>G, p.His205Asp (NM_001369370.1, NM_001369371.1, NM_001369372.1 and 6 more transcripts); short protein forms H205D, H286D.
Identifiers: ClinVar variation 2627598 (VCV002627598.2), dbSNP rs2524835030, ClinGen allele CA414245997.

ClinVar aggregate classification (germline): Uncertain significance (1 of 4 stars; one submission).

Conditions:
Lissencephaly type 1 due to doublecortin gene mutation. Also called: LISSENCEPHALY AND AGENESIS OF CORPUS CALLOSUM; LISSENCEPHALY, X-LINKED, 1. Identifiers: Orphanet 2148, MedGen C4551968, MONDO:0010239, OMIM 300067.

Submission:

Institute of Human Genetics, University of Leipzig Medical Center
Classification: Uncertain significance for Lissencephaly type 1 due to doublecortin gene mutation. Last evaluated: 2023-10-12. Review status: criteria provided, single submitter. Criteria: ACMG Guidelines, 2015. Collection method: clinical testing. Allele origin: unknown. Inheritance: X-linked dominant inheritance. Affected: yes.
Comment: Criteria applied: PM1,PM5_SUP,PM2_SUP,PP3